The following is an entry in ClinVar:

NM_000548.5(TSC2):c.3311A>T (p.Gln1104Leu)

Gene: TSC2 (TSC complex subunit 2; plus strand). Cytogenetic location: 16p13.3.
Variant type: single nucleotide variant.
Coding change: c.3311A>T on transcript NM_000548.5 (MANE Select); coding-DNA position 3311, A replaced by T.
Protein change: p.Gln1104Leu; replaces glutamine 1104 with leucine.
Molecular consequence: missense variant. On other transcripts: non-coding transcript variant (5).
Genome position (GRCh38, 1-based): chr16:2,079,583, A>T. VCF-style: chr16-2079583-A-T. GRCh37 (hg19) VCF-style: chr16-2129584-A-T.
Other names: c.3182A>T, p.Gln1061Leu (NM_001370405.1, NM_001363528.2, NM_021055.3); c.3308A>T, p.Gln1103Leu (NM_001406663.1, NM_001406664.1); c.3179A>T, p.Gln1060Leu (NM_001406665.1, NM_001077183.3, NM_001370404.1); c.3272A>T, p.Gln1091Leu (NM_001406667.1); c.3269A>T, p.Gln1090Leu (NM_001406668.1); c.3200A>T, p.Gln1067Leu (NM_001406670.1); c.3170A>T, p.Gln1057Leu (NM_001406671.1); c.3167A>T, p.Gln1056Leu (NM_001406673.1); and 18 more; short protein forms Q1041L, Q1054L, Q1056L, Q1071L, Q1091L, Q1104L, Q1012L, Q1023L.
Identifiers: ClinVar variation 4770850 (VCV004770850.1).

ClinVar aggregate classification (germline): Uncertain significance (1 of 4 stars; one submission).

Conditions:
Tuberous sclerosis 2 (TSC2). Identifiers: Orphanet 805, MedGen C1860707, MONDO:0013199, OMIM 613254.

Submission:

Labcorp Genetics (formerly Invitae), Labcorp
Classification: Uncertain significance for Tuberous sclerosis 2. Last evaluated: 2025-05-21. Review status: criteria provided, single submitter. Criteria: Invitae Variant Classification Sherloc (09022015). Collection method: clinical testing. Allele origin: germline.
Comment: This sequence change replaces glutamine, which is neutral and polar, with leucine, which is neutral and non-polar, at codon 1104 of the TSC2 protein (p.Gln1104Leu). This variant is not present in population databases (gnomAD no frequency). This variant has not been reported in the literature in individuals affected with TSC2-related conditions. Invitae Evidence Modeling of protein sequence and biophysical properties (such as structural, functional, and spatial information, amino acid conservation, physicochemical variation, residue mobility, and thermodynamic stability) indicates that this missense variant is not expected to disrupt TSC2 protein function with a negative predictive value of 95%. In summary, the available evidence is currently insufficient to determine the role of this variant in disease. Therefore, it has been classified as a Variant of Uncertain Significance.